The following is an entry in ClinVar:

ClinVar aggregate classification (germline): Pathogenic/Likely pathogenic. Review status: criteria provided, multiple submitters, no conflicts (2 of 4 stars). 4 submissions from 4 submitters: Pathogenic (2); Likely pathogenic (2). Last evaluated 2025-09-09.

Conditions:
Intellectual developmental disorder, autosomal dominant 30, with speech delay and behavioral abnormalities. Also called: Intellectual disability, autosomal dominant 30. Identifiers: Orphanet 436151, MedGen C4015167, MONDO:0014486, OMIM 616083.
ZMYND11-related disorder. Also called: ZMYND11-related condition.

Allele frequency attached by ClinVar (database versions not stated): gnomAD exomes below 0.00001.
gnomAD v4.1: 1 of 1,613,126 alleles (0.000062%); no homozygotes.

Submissions (4):

GeneDx
Classification: Pathogenic. Last evaluated: 2025-09-09. Review status: criteria provided, single submitter. Criteria: GeneDx Variant Classification Process June 2021. Collection method: clinical testing. Allele origin: germline.
Comment: Not observed at significant frequency in large population cohorts (gnomAD); In silico analysis supports that this missense variant has a deleterious effect on protein structure/function; This variant is associated with the following publications: (PMID: 34216016, 28708303)

Labcorp Genetics (formerly Invitae), Labcorp
Classification: Likely pathogenic. Last evaluated: 2024-10-31. Review status: criteria provided, single submitter. Criteria: Invitae Variant Classification Sherloc (09022015). Collection method: clinical testing. Allele origin: germline.
Comment: This sequence change replaces arginine, which is basic and polar, with tryptophan, which is neutral and slightly polar, at codon 26 of the ZMYND11 protein (p.Arg26Trp). This variant is not present in population databases (gnomAD no frequency). This missense change has been observed in individual(s) with ZMYND11-related conditions (PMID: 28708303). In at least one individual the variant was observed to be de novo. ClinVar contains an entry for this variant (Variation ID: 431123). An algorithm developed to predict the effect of missense changes on protein structure and function (PolyPhen-2) suggests that this variant is likely to be disruptive. In summary, the currently available evidence indicates that the variant is pathogenic, but additional data are needed to prove that conclusively. Therefore, this variant has been classified as Likely Pathogenic.

Blueprint Genetics
Classification: Likely pathogenic for ZMYND11-related disorders. Last evaluated: 2022-08-17. Review status: criteria provided, single submitter. Criteria: ACMG Guidelines, 2015. Collection method: clinical testing. Allele origin: germline. Affected: yes. Observed: 1 variant allele.

Groupe Hospitalier Pitie Salpetriere, Uf Genomique Du Developpement, Assistance Publique Hopitaux de Paris Sorbonne Université
Classification: Pathogenic for Mental retardation, autosomal dominant 30. Last evaluated: 2017-01-06. Review status: criteria provided, single submitter. Criteria: ACMG Guidelines, 2015. Collection method: clinical testing. Allele origin: de novo. Affected: yes. Observed: 1 variant allele.
Comment: Intellectual disability; dysmorphism (hypertelorism )

Literature cited by the submitters: PubMed 28708303 (cited by Labcorp Genetics (formerly Invitae), Labcorp and Groupe Hospitalier Pitie Salpetriere, Uf Genomique Du Developpement, Assistance Publique Hopitaux de Paris Sorbonne Université).

NM_001370100.5(ZMYND11):c.76C>T (p.Arg26Trp)

Gene: ZMYND11 (zinc finger MYND-type containing 11; plus strand). Cytogenetic location: 10p15.3.
Variant type: single nucleotide variant.
Coding change: c.76C>T on transcript NM_001370100.5 (MANE Select); coding-DNA position 76, C replaced by T.
Protein change: p.Arg26Trp; replaces arginine 26 with tryptophan.
Molecular consequence: missense variant. On other transcripts: 5 prime UTR variant (3), non-coding transcript variant (1), intron variant (5).
Genome position (GRCh38, 1-based): chr10:180,088, C>T. VCF-style: chr10-180088-C-T. GRCh37 (hg19) VCF-style: chr10-226028-C-T.
Other names: c.76C>T, p.Arg26Trp (NM_001202464.3, NM_001202465.3, NM_001202466.3 and 24 more transcripts); c.-71C>T (NM_001330057.3, NM_001370112.2, NM_001370123.2); c.-4-29801C>T (NM_001370118.2, NM_001370121.2); c.51-29801C>T (NM_001370116.2, NM_001370120.2); c.-34+45196C>T (NM_001370124.3); short protein forms R26W.
Identifiers: ClinVar variation 431123 (VCV000431123.8), dbSNP rs1135401797, ClinGen allele CA375841367.